The following is an entry in ClinVar:

NM_006766.5(KAT6A):c.3187C>T (p.Pro1063Ser)

Gene: KAT6A (lysine acetyltransferase 6A; minus strand). Cytogenetic location: 8p11.21.
Variant type: single nucleotide variant.
Coding change: c.3187C>T on transcript NM_006766.5 (MANE Select); coding-DNA position 3187, C replaced by T.
Protein change: p.Pro1063Ser; replaces proline 1063 with serine.
Molecular consequence: missense variant.
Genome position (GRCh38, 1-based): chr8:41,937,421, G>A on the plus strand (C>T on the coding strand, the complement: KAT6A is on the minus strand). VCF-style: chr8-41937421-G-A. GRCh37 (hg19) VCF-style: chr8-41794939-G-A.
Other names: short protein forms P1063S.
Identifiers: ClinVar variation 1307027 (VCV001307027.2), dbSNP rs1821908148, ClinGen allele CA371070549.

ClinVar aggregate classification (germline): Uncertain significance (1 of 4 stars; one submission).

Allele frequency attached by ClinVar (database versions not stated): gnomAD exomes below 0.00001.
gnomAD v4.1: 1 of 1,614,064 alleles (0.000062%); highest among the groups gnomAD compares: Non-Finnish European, 0.000085%; no homozygotes.

Submission:

GeneDx
Classification: Uncertain significance. Last evaluated: 2019-07-12. Review status: criteria provided, single submitter. Criteria: GeneDx Variant Classification Process June 2021. Collection method: clinical testing. Allele origin: germline. Affected: yes.
Comment: Has not been previously published as pathogenic or benign to our knowledge; Not observed in large population cohorts (Lek et al., 2016); In silico analysis, which includes protein predictors and evolutionary conservation, supports a deleterious effect